The following is an entry in ClinVar:

NM_001080517.3(SETD5):c.2678del (p.Thr893fs)

Gene: SETD5 (SET domain containing 5; plus strand). Cytogenetic location: 3p25.3.
Variant type: Deletion.
Coding change: c.2678del on transcript NM_001080517.3 (MANE Select); coding-DNA position 2678, one base deleted (C; older notation c.2678delC).
Protein change: p.Thr893fs; shifts the reading frame from threonine 893.
Molecular consequence: frameshift variant.
Genome position (GRCh38, 1-based): chr3:9,464,626, C deleted. VCF-style (leftmost placement, unchanged base first): chr3-9464625-AC-A. GRCh37 (hg19) VCF-style: chr3-9506309-AC-A.
Other names: c.2384del, p.Thr795fs (NM_001292043.2, NM_001349451.2); c.2774del, p.Thr925fs (NM_001437633.1); c.2735del, p.Thr912fs (NM_001437635.1); c.2678del, p.Thr893fs (NM_001437643.1); c.2717del, p.Thr906fs (NM_001437701.1); short protein forms T795fs, T893fs, T906fs, T912fs, T925fs.
Identifiers: ClinVar variation 5020097 (VCV005020097.1).
Genomic context (GRCh38, chr3:9,464,625, plus strand): 5'-TCATCTCACCCAGGAGAAGAGGAGTGTCGAAATGGATACAGCCTCATGTTTTCACCAGTC[AC>A]ATCTCTTACTACTGCTAGTCGCTGCAACACTCCTCTACAGTTTGAGGTGATTTGGGTTTG-3'

ClinVar aggregate classification (germline): Likely pathogenic (1 of 4 stars; one submission).

Conditions:
Intellectual disability-facial dysmorphism syndrome due to SETD5 haploinsufficiency (MRD23). Also called: Intellectual developmental disorder, autosomal dominant 23. Identifiers: Orphanet 404440, MedGen C3810406, MONDO:0014336, OMIM 615761.

Submission:

Division of Genetic & Genomic Pathology, Hong Kong Children's Hospital
Classification: Likely pathogenic for Intellectual disability-facial dysmorphism syndrome due to SETD5 haploinsufficiency. Last evaluated: 2025-08-03. Review status: criteria provided, single submitter. Criteria: ACMG Guidelines, 2015. Collection method: clinical testing. Allele origin: germline. Affected: yes.
Comment: SETD5 c.2678del p.(Thr893Asnfs*28) is a single nucleotide deletion located in exon 18 (out of 23 exons) of the gene. It disrupts the original reading frame and is predicted to result in loss of protein function by nonsense-mediated mRNA decay. This variant is absent from population databases (gnomAD v2.1.1 and v4.1.0) and has not been reported in clinical database (ClinVar and HGMD Professional v2025.1). Multiple downstream (likely) pathogenic loss-of-function SETD5 variants have been reported in patients with intellectual disability, behavioural / psychiatric issues and variable skeletal abnormalities (PMIDs: 24680889, 28881385). Since SETD5 is a known haploinsufficient gene (ClinGen Curation ID: 007832), the variant is classified as likely pathogenic.

Literature cited by the submitters: PubMed 24680889; PubMed 28881385.